The following is an entry in ClinVar:

ClinVar aggregate classification (germline): Uncertain significance (1 of 4 stars; one submission).

Conditions:
COL1A2-related disorder. Also called: COL1A2-Related Disorders; COL1A2-related condition.

Submission:

PreventionGenetics, part of Exact Sciences
Classification: Uncertain significance for COL1A2-related condition. Last evaluated: 2026-02-22. Review status: criteria provided, single submitter. Criteria: ACMG Guidelines, 2015. Collection method: clinical testing. Allele origin: germline.
Comment: The COL1A2 c.3166G>A variant is predicted to result in the amino acid substitution p.Ala1056Thr. To our knowledge, this variant has not been reported in the literature or in a large population database (gnomAD), indicating this variant is rare. At this time, the clinical significance of this variant is uncertain due to the absence of conclusive functional and genetic evidence.

NM_000089.4(COL1A2):c.3166G>A (p.Ala1056Thr)

Gene: COL1A2 (collagen type I alpha 2 chain; plus strand). Cytogenetic location: 7q21.3.
Variant type: single nucleotide variant.
Coding change: c.3166G>A on transcript NM_000089.4 (MANE Select); coding-DNA position 3166, G replaced by A.
Protein change: p.Ala1056Thr; replaces alanine 1056 with threonine.
Molecular consequence: missense variant.
Genome position (GRCh38, 1-based): chr7:94,427,194, G>A. VCF-style: chr7-94427194-G-A. GRCh37 (hg19) VCF-style: chr7-94056506-G-A.
Other names: short protein forms A1056T.
Identifiers: ClinVar variation 4995779 (VCV004995779.1).